The following is an entry in ClinVar:

ClinVar aggregate classification (germline): Uncertain significance (1 of 4 stars; one submission).

Conditions:
SHH-related disorder. Also called: SHH-related disorders; SHH-related condition.

Submission:

PreventionGenetics, part of Exact Sciences
Classification: Uncertain significance for SHH-related condition. Last evaluated: 2026-06-07. Review status: criteria provided, single submitter. Criteria: ACMG Guidelines, 2015. Collection method: clinical testing. Allele origin: germline.
Comment: The SHH c.-978791T>G variant is located in the 5' untranslated region. This variant can also be defined as an intronic variant in the LMBR1 gene NM_022458:c.423+5476T>G (Intronic). This region of LMBR1 intron 5 contains the highly conserved ZPA cis-regulatory sequence (ZRS) located ~1 Mb upstream of the SHH gene. The ZPA (zone of polarizing activity) expresses SHH in the posterior limb bud during embryonic development, resulting in a gradient of SHH defining the anterior-posterior axis that determines digit identity and number. Pathogenic variants in the ZRS have been shown to drive ectopic expression of SHH in the anterior embryonic limb bud, resulting in preaxial polydactyly (PPD), triphalangeal thumb (TPT), or polysyndactyly and related phenotypes (Lettice et al. 2002. PubMed ID: 12032320; Lettice et al. 2008. PubMed ID: 18156157; VanderMeer and Ahituv. 2011. PubMed ID: 21509892). Nearby variants both up and downstream have been reported as causative for these SHH-related disorders (Gurnett et al. 2007. PubMed ID: 17152067; Kvon et al. 2020. PubMed ID: 32169219; Human Gene Mutation Database SHH and LMBR1 genes; OMIM #605522). To our knowledge, this variant has not been reported in the literature or in a large population database (gnomAD), indicating this variant is rare. At this time, the clinical significance of this variant is uncertain due to the absence of conclusive functional and genetic evidence.

NC_000007.14:g.156790913A>C

Genes: LMBR1 (limb development membrane protein 1; minus strand), SHH (sonic hedgehog signaling molecule; minus strand), ZRS (ZPA regulatory sequence; plus strand). Cytogenetic location: 7q36.3.
Variant type: single nucleotide variant.
Molecular consequence: intron variant (on NM_022458.4).
Genome position: GRCh38 VCF-style: chr7-156790913-A-C. GRCh37 (hg19) VCF-style: chr7-156583607-A-C.
Other names: c.360+5476T>G (NM_001363412.2); c.144+5476T>G (NM_001350954.2); c.423+5476T>G (NM_001363410.2, NM_022458.4, NM_001363409.2 and 1 more transcripts); c.-112+5476T>G (NM_001350958.2, NM_001350956.2, NM_001350955.2 and 1 more transcripts); c.54+5476T>G (NM_001350957.2, NM_001363411.2).
Identifiers: ClinVar variation 4983416 (VCV004983416.1).